The following is an entry in ClinVar:

ClinVar aggregate classification (germline): Uncertain significance. Review status: criteria provided, multiple submitters, no conflicts (2 of 4 stars). 13 submissions from 13 submitters: Uncertain significance (11). 2 of the submissions do not count toward it. Last evaluated 2024-10-01.

Conditions:
Autosomal recessive limb-girdle muscular dystrophy type 2O. Also called: Limb-Girdle Muscular Dystrophy Type 3C; MUSCULAR DYSTROPHY-DYSTROGLYCANOPATHY (LIMB-GIRDLE), TYPE C, 3; MUSCULAR DYSTROPHY-DYSTROGLYCANOPATHY, LIMB-GIRDLE, POMGNT1-RELATED. Identifiers: Orphanet 206564, MedGen C3150417, MONDO:0013161, OMIM 613157.
Muscular dystrophy-dystroglycanopathy (congenital with impaired intellectual development), type B, 3. Also called: Muscular dystrophy-dystroglycanopathy (congenital with intellectual disability), type B3; MUSCULAR DYSTROPHY, CONGENITAL, POMGNT1-RELATED. Identifiers: MedGen C3150412, MONDO:0013155, OMIM 613151.
Retinal dystrophy. Also called: Inherited retinal dystrophy. Identifiers: Orphanet 71862, MedGen C0854723, MeSH D058499, MONDO:0019118, HP:0000556.
Retinitis pigmentosa (RP). Identifiers: Orphanet 791, MedGen C0035334, MeSH D012174, MONDO:0019200, OMIM 268000. Inheritance: Autosomal dominant, autosomal recessive and X linked inheritance.
Muscular dystrophy-dystroglycanopathy (congenital with brain and eye anomalies), type A3. Also called: Congenital muscular dystrophy-dystroglycanopathy with brain and eye anomalies, type A3; Muscular dystrophy-dystroglycanopathy (congenital with brain and eye anomalies), type A, 3; WALKER-WARBURG SYNDROME OR MUSCLE-EYE-BRAIN DISEASE, POMGNT1-RELATED. Identifiers: MedGen C3151519, MONDO:0009667, OMIM 253280.
Muscular dystrophy-dystroglycanopathy. Also called: Congenital muscular dystrophy due to dystroglycanopathy. Identifiers: Orphanet 370953, MedGen C5679911, MONDO:0018276.
Muscle eye brain disease (MEB). Also called: Santavuori congenital muscular dystrophy. Identifiers: Orphanet 588, Orphanet 899, MedGen C0457133, MONDO:0018939.

Allele frequency attached by ClinVar (database versions not stated): gnomAD exomes 0.00003 and 0.00004; TOPMed 0.00003; ExAC 0.00006; gnomAD 0.00005.
gnomAD v4.1: 55 of 1,614,022 alleles (0.0034%); highest among the groups gnomAD compares: Non-Finnish European, 0.0042%; no homozygotes.

Submissions (13):

Lab De Baere, Eye and Developmental Genetics Lab, Ghent University
Classification: Uncertain significance for Retinitis pigmentosa. Last evaluated: 2024-10-01. Review status: criteria provided, single submitter. Criteria: ACMG Guidelines, 2015. Collection method: research. Allele origin: inherited. Affected: yes. Observed: 1 variant allele.
Comment: ACMG/AMP guidelines: PM2, PM3_PP

Institute of Human Genetics, University of Leipzig Medical Center
Classification: Uncertain significance for Muscular dystrophy-dystroglycanopathy (congenital with impaired intellectual development), type B, 3. Last evaluated: 2024-08-13. Review status: criteria provided, single submitter. Criteria: ACMG Guidelines, 2015. Collection method: clinical testing. Allele origin: unknown. Inheritance: Autosomal recessive inheritance. Affected: yes.
Comment: Criteria applied: PM3,PM2_SUP

GeneDx
Classification: Uncertain significance. Last evaluated: 2024-02-15. Review status: criteria provided, single submitter. Criteria: GeneDx Variant Classification Process June 2021. Collection method: clinical testing. Allele origin: germline. Affected: yes.
Comment: Not observed at significant frequency in large population cohorts (gnomAD); In silico analysis supports that this missense variant does not alter protein structure/function; Identified in several individuals with clinical findings of POMGNT1-related disorders in published literature (PMID: 36964972, 30937090, 31230720); This variant is associated with the following publications: (PMID: 34426522, 36964972, 31230720, 30937090)

Blueprint Genetics
Classification: Uncertain significance. Last evaluated: 2023-11-27. Review status: criteria provided, single submitter. Criteria: ACMG Guidelines, 2015. Collection method: clinical testing. Allele origin: germline.

Broad Center for Mendelian Genomics, Broad Institute of MIT and Harvard
Classification: Uncertain significance for Muscular dystrophy-dystroglycanopathy. Last evaluated: 2023-01-24. Review status: criteria provided, single submitter. Criteria: ACMG Guidelines, 2015. Collection method: curation. Allele origin: germline. Inheritance: Autosomal recessive inheritance.
Comment: The p.His184Tyr variant in POMGNT1 has been reported in one individual with muscular dystrophy-dystroglycanopathy (PMID: 30937090), and has also been identified in 0.009% (12/128998) of European (non-Finnish) chromosomes by the Genome Aggregation Database (gnomAD; dbSNP ID: rs746638187). Although this variant has been seen in the general population in a heterozygous state, its frequency is low enough to be consistent with a recessive carrier frequency. The variant has also been reported in ClinVar (Variation ID#: 471407) as a variant of uncertain significance by Invitae, Mayo Clinic Laboratories, Genetic Services Laboratory (University of Chicago), Lupski Lab (Baylor-Hopkins CMG, Baylor College of Medicine), and Natera, Inc. Computational prediction tools and conservation analyses do not provide strong support for or against an impact to the protein. In summary, the clinical significance of the p.His184Tyr variant is uncertain. ACMG/AMP Criteria applied: PM2_Supporting (Richards 2015).

Institute of Human Genetics, Univ. Regensburg, Univ. Regensburg
Classification: Uncertain significance for Retinal dystrophy. Last evaluated: 2023-01-01. Review status: criteria provided, single submitter. Criteria: ACMG Guidelines, 2015. Collection method: clinical testing. Allele origin: germline. Affected: yes.

Department of Pathology and Laboratory Medicine, Sinai Health System
Classification: Uncertain significance for Muscular dystrophy-dystroglycanopathy (congenital with brain and eye anomalies), type A3; Muscular dystrophy-dystroglycanopathy (congenital with impaired intellectual development), type B, 3; Autosomal recessive limb-girdle muscular dystrophy type 2O. Last evaluated: 2022-12-01. Review status: criteria provided, single submitter. Criteria: ACMG Guidelines, 2015. Collection method: research. Allele origin: germline.

Labcorp Genetics (formerly Invitae), Labcorp
Classification: Uncertain significance for Autosomal recessive limb-girdle muscular dystrophy type 2O; Muscular dystrophy-dystroglycanopathy (congenital with impaired intellectual development), type B, 3. Last evaluated: 2022-10-05. Review status: criteria provided, single submitter. Criteria: Invitae Variant Classification Sherloc (09022015). Collection method: clinical testing. Allele origin: germline.
Comment: This sequence change replaces histidine, which is basic and polar, with tyrosine, which is neutral and polar, at codon 184 of the POMGNT1 protein (p.His184Tyr). This variant is present in population databases (rs746638187, gnomAD 0.009%). This missense change has been observed in individual(s) with clinical features of muscle-eye-brain disease (PMID: 30937090). ClinVar contains an entry for this variant (Variation ID: 471407). Algorithms developed to predict the effect of missense changes on protein structure and function (SIFT, PolyPhen-2, Align-GVGD) all suggest that this variant is likely to be disruptive. In summary, the available evidence is currently insufficient to determine the role of this variant in disease. Therefore, it has been classified as a Variant of Uncertain Significance.

Mayo Clinic Laboratories, Mayo Clinic
Classification: Uncertain significance. Last evaluated: 2021-05-18. Review status: criteria provided, single submitter. Criteria: ACMG Guidelines, 2015. Collection method: clinical testing. Allele origin: germline.

Revvity Omics, Revvity
Classification: Uncertain significance. Last evaluated: 2020-08-18. Review status: criteria provided, single submitter. Criteria: ACMG Guidelines, 2015. Collection method: clinical testing. Allele origin: germline.

Genetic Services Laboratory, University of Chicago
Classification: Uncertain significance. Last evaluated: 2017-10-11. Review status: criteria provided, single submitter. Criteria: ACMG Guidelines, 2015. Collection method: clinical testing. Allele origin: germline. Affected: no.

Natera, Inc.
Classification: Uncertain significance for Muscle-eye-brain disease. Last evaluated: 2020-09-16. Review status: no assertion criteria provided. Collection method: clinical testing. Allele origin: germline. Not counted in ClinVar's aggregate classification.

Lupski Lab, Baylor-Hopkins CMG, Baylor College of Medicine
Classification: Uncertain significance for Autosomal recessive limb-girdle muscular dystrophy type 2O. Review status: no assertion criteria provided. Collection method: research. Allele origin: inherited. Inheritance: Autosomal recessive inheritance. Affected: yes. Observed: 3 variant alleles, 2 heterozygotes, 1 homozygote. Not counted in ClinVar's aggregate classification.

Literature cited by the submitters: PubMed 30937090 (cited by Institute of Human Genetics, Univ. Regensburg, Univ. Regensburg and Labcorp Genetics (formerly Invitae), Labcorp); PubMed 31230720 (cited by Institute of Human Genetics, Univ. Regensburg, Univ. Regensburg); PubMed 34426522 (cited by Institute of Human Genetics, Univ. Regensburg, Univ. Regensburg).

NM_017739.4(POMGNT1):c.550C>T (p.His184Tyr)

Genes: POMGNT1 (protein O-linked mannose N-acetylglucosaminyltransferase 1 (beta 1,2-); minus strand), TSPAN1 (tetraspanin 1; plus strand). Cytogenetic location: 1p34.1.
Variant type: single nucleotide variant.
Coding change: c.550C>T on transcript NM_017739.4 (MANE Select); coding-DNA position 550, C replaced by T.
Protein change: p.His184Tyr; replaces histidine 184 with tyrosine.
Molecular consequence: missense variant.
Genome position (GRCh38, 1-based): chr1:46,194,946, G>A on the plus strand (C>T on the coding strand, the complement: POMGNT1 is on the minus strand). VCF-style: chr1-46194946-G-A. GRCh37 (hg19) VCF-style: chr1-46660618-G-A.
Other names: p.His184Tyr; NM_017739.4(POMGNT1):c.550C>T; c.550C>T, p.His184Tyr (NM_001243766.2, NM_001410783.1); c.484C>T, p.His162Tyr (NM_001290129.3); c.121C>T, p.His41Tyr (NM_001290130.2); short protein forms H184Y, H162Y, H41Y.
Identifiers: ClinVar variation 471407 (VCV000471407.24), dbSNP rs746638187, ClinGen allele CA833687.
Genomic context (GRCh38, chr1:46,194,946, plus strand): 5'-GGGCAGGGCCAGCCTGGCTGCCCAGGCTCCTCAGCAGAGCCTTGGCTGTGTCCTTGAGGT[G>A]GAAGGAGCCCTCATCCTGGGGGACCAGAGAAGGCAGTTAGCCTGACTGGCATGGTTCCAG-3'
Protein context (NP_060209.4, residues 174-194): ICTVKDEGSF[His184Tyr]LKDTAKALLR